The following is an entry in ClinVar:

ClinVar aggregate classification (germline): Likely pathogenic (1 of 4 stars; one submission).

Conditions:
Neurofibromatosis, type 1 (NF1). Also called: VON RECKLINGHAUSEN DISEASE; NEUROFIBROMATOSIS, TYPE I, SOMATIC; Peripheral type neurofibromatosis; Neurofibromatosis, type I. Identifiers: Orphanet 636, MedGen C0027831, MONDO:0018975, OMIM 162200. Disease mechanism: loss of function.

Submission:

Greenwood Genetic Center Diagnostic Laboratories, Greenwood Genetic Center
Classification: Likely pathogenic for Neurofibromatosis, type 1. Last evaluated: 2023-08-02. Review status: criteria provided, single submitter. Criteria: ACMG Guidelines, 2015. Collection method: clinical testing. Allele origin: germline. Affected: yes.
Comment: PVS1, PM2

NM_001042492.3(NF1):c.4611_4612del (p.Asp1537fs)

Gene: NF1 (neurofibromin 1; plus strand). Cytogenetic location: 17q11.2.
Variant type: Deletion.
Coding change: c.4611_4612del on transcript NM_001042492.3 (MANE Select); coding-DNA positions 4611 to 4612, 2 bases deleted (TA; older notation c.4611_4612delTA).
Protein change: p.Asp1537fs; shifts the reading frame from aspartic acid 1537.
Molecular consequence: frameshift variant.
Genome position (GRCh38, 1-based): chr17:31,261,744-31,261,745, TA deleted; deleting any 2 consecutive bases within chr17:31,261,743-31,261,745 gives the same sequence; the c. name uses the placement nearest the transcript's 3' end. VCF-style (leftmost placement, unchanged base first): chr17-31261742-GAT-G. GRCh37 (hg19) VCF-style: chr17-29588760-GAT-G.
Other names: c.4548_4549delTA, p.Asp1516Glufs (NM_000267.4); short protein forms D1516fs, D1537fs.
Identifiers: ClinVar variation 2626870 (VCV002626870.1), dbSNP rs2508429390, ClinGen allele CA2582342157.
Genomic context (GRCh38, chr17:31,261,742, plus strand): 5'-TTTTTTTCTAAGTAGTTTGCTGTATCTAGGGATCATAAAGCTGTTGGAAGACGACCTTTT[GAT>G]AAGATGGCAACACTTCTTGCATACCTGGGTCCTCCAGAGCACAAACCTGTGGCAGATACA-3'